The following is an entry in ClinVar:

NM_001458.5(FLNC):c.3071A>G (p.Gln1024Arg)

Gene: FLNC (filamin C; plus strand). Cytogenetic location: 7q32.1.
Variant type: single nucleotide variant.
Coding change: c.3071A>G on transcript NM_001458.5 (MANE Select); coding-DNA position 3071, A replaced by G.
Protein change: p.Gln1024Arg; replaces glutamine 1024 with arginine.
Molecular consequence: missense variant.
Genome position (GRCh38, 1-based): chr7:128,844,145, A>G. VCF-style: chr7-128844145-A-G. GRCh37 (hg19) VCF-style: chr7-128484199-A-G.
Other names: c.3071A>G, p.Gln1024Arg (NM_001127487.2); short protein forms Q1024R.
Identifiers: ClinVar variation 3221718 (VCV003221718.4), dbSNP rs1460402659, ClinGen allele CA369194200.

ClinVar aggregate classification (germline): Uncertain significance. Review status: criteria provided, multiple submitters, no conflicts (2 of 4 stars). 3 submissions from 3 submitters: Uncertain significance (3). Last evaluated 2025-07-27.

Conditions:
Cardiovascular phenotype. Identifiers: MedGen CN230736.
Distal myopathy with posterior leg and anterior hand involvement. Also called: WILLIAMS DISTAL MYOPATHY. Identifiers: Orphanet 63273, MedGen C3279722, MONDO:0013550, OMIM 614065.
Hypertrophic cardiomyopathy 26. Also called: Cardiomyopathy, familial hypertrophic, 26. Identifiers: Orphanet 75249, MedGen C4310749, MONDO:0014883, OMIM 617047.
Myofibrillar myopathy 5. Also called: FILAMINOPATHY, AUTOSOMAL DOMINANT; Filaminopathy (type). Identifiers: Orphanet 171445, MedGen C1836050, MONDO:0012289, OMIM 609524.

gnomAD v4.1: 1 of 1,613,954 alleles (0.000062%); highest among the groups gnomAD compares: African/African-American, 0.0013%; no homozygotes.

Submissions (3):

Labcorp Genetics (formerly Invitae), Labcorp
Classification: Uncertain significance for Distal myopathy with posterior leg and anterior hand involvement; Myofibrillar myopathy 5; Hypertrophic cardiomyopathy 26. Last evaluated: 2025-07-27. Review status: criteria provided, single submitter. Criteria: Invitae Variant Classification Sherloc (09022015). Collection method: clinical testing. Allele origin: germline.
Comment: This sequence change replaces glutamine, which is neutral and polar, with arginine, which is basic and polar, at codon 1024 of the FLNC protein (p.Gln1024Arg). This variant is not present in population databases (gnomAD no frequency). This variant has not been reported in the literature in individuals affected with FLNC-related conditions. ClinVar contains an entry for this variant (Variation ID: 3221718). Invitae Evidence Modeling of protein sequence and biophysical properties (such as structural, functional, and spatial information, amino acid conservation, physicochemical variation, residue mobility, and thermodynamic stability) has been performed for this missense variant. However, the output from this modeling did not meet the statistical confidence thresholds required to predict the impact of this variant on FLNC protein function. In summary, the available evidence is currently insufficient to determine the role of this variant in disease. Therefore, it has been classified as a Variant of Uncertain Significance.

Ambry Genetics
Classification: Uncertain significance for Cardiovascular phenotype. Last evaluated: 2024-02-16. Review status: criteria provided, single submitter. Criteria: Ambry Variant Classification Scheme 2023. Collection method: clinical testing. Allele origin: germline.
Comment: The p.Q1024R variant (also known as c.3071A>G), located in coding exon 20 of the FLNC gene, results from an A to G substitution at nucleotide position 3071. The glutamine at codon 1024 is replaced by arginine, an amino acid with highly similar properties. This amino acid position is conserved. In addition, this alteration is predicted to be tolerated by in silico analysis. Based on the available evidence, the clinical significance of this alteration remains unclear.

GeneDx
Classification: Uncertain significance. Last evaluated: 2023-10-20. Review status: criteria provided, single submitter. Criteria: GeneDx Variant Classification Process June 2021. Collection method: clinical testing. Allele origin: germline. Affected: yes.
Comment: Has not been previously published as pathogenic or benign to our knowledge; Not observed at significant frequency in large population cohorts (gnomAD); In silico analysis supports that this missense variant does not alter protein structure/function